The following is an entry in ClinVar:

ClinVar aggregate classification (germline): Uncertain significance. Review status: criteria provided, multiple submitters, no conflicts (2 of 4 stars). 2 submissions from 2 submitters: Uncertain significance (2). Last evaluated 2022-10-26.

Conditions:
Inborn genetic diseases. Identifiers: MedGen C0950123, MeSH D030342.

Allele frequency attached by ClinVar (database versions not stated): gnomAD exomes 0.00001; gnomAD 0.00003; TOPMed 0.00001; ExAC 0.00003; ESP Exome Variant Server 0.00008.
gnomAD v4.1: 13 of 1,613,346 alleles (0.00081%); highest among the groups gnomAD compares: Admixed American, 0.005%; no homozygotes.

Submissions (2):

Ambry Genetics
Classification: Uncertain significance for Inborn genetic diseases. Last evaluated: 2022-10-26. Review status: criteria provided, single submitter. Criteria: Ambry Variant Classification Scheme 2023. Collection method: clinical testing. Allele origin: germline.

Labcorp Genetics (formerly Invitae), Labcorp
Classification: Uncertain significance. Last evaluated: 2022-04-16. Review status: criteria provided, single submitter. Criteria: Invitae Variant Classification Sherloc (09022015). Collection method: clinical testing. Allele origin: germline.
Comment: In summary, the available evidence is currently insufficient to determine the role of this variant in disease. Therefore, it has been classified as a Variant of Uncertain Significance. Algorithms developed to predict the effect of sequence changes on RNA splicing suggest that this variant may create or strengthen a splice site. Algorithms developed to predict the effect of missense changes on protein structure and function (SIFT, PolyPhen-2, Align-GVGD) all suggest that this variant is likely to be tolerated. This variant has not been reported in the literature in individuals affected with CAMTA1-related conditions. This variant is present in population databases (rs140699847, gnomAD 0.004%). This sequence change replaces glycine, which is neutral and non-polar, with arginine, which is basic and polar, at codon 518 of the CAMTA1 protein (p.Gly518Arg).

NM_015215.4(CAMTA1):c.1552G>A (p.Gly518Arg)

Gene: CAMTA1 (calmodulin binding transcription activator 1; plus strand). Cytogenetic location: 1p36.23.
Variant type: single nucleotide variant.
Coding change: c.1552G>A on transcript NM_015215.4 (MANE Select); coding-DNA position 1552, G replaced by A.
Protein change: p.Gly518Arg; replaces glycine 518 with arginine.
Molecular consequence: missense variant.
Genome position (GRCh38, 1-based): chr1:7,664,099, G>A. VCF-style: chr1-7664099-G-A. GRCh37 (hg19) VCF-style: chr1-7724159-G-A.
Other names: c.1462G>A, p.Gly488Arg (NM_001349608.2, NM_001349612.2); c.1552G>A, p.Gly518Arg (NM_001349609.2, NM_001349610.2, NM_001410737.1); c.1480G>A, p.Gly494Arg (NM_001410738.1); short protein forms G488R, G494R, G518R.
Identifiers: ClinVar variation 2074562 (VCV002074562.5), dbSNP rs140699847, ClinGen allele CA566465.